The following is an entry in ClinVar:

ClinVar aggregate classification (germline): Benign/Likely benign. Review status: criteria provided, multiple submitters, no conflicts (2 of 4 stars). 4 submissions from 4 submitters: Benign (1); Likely benign (3). Last evaluated 2025-05-15.

Conditions:
Juvenile polyposis syndrome (JPS). Identifiers: Orphanet 2929, MedGen C0345893, MONDO:0017380, OMIM 174900.
Familial thoracic aortic aneurysm and aortic dissection (TAAD). Also called: Thoracic aortic aneurysms and dissections. Identifiers: Orphanet 91387, MedGen C4707243, MONDO:0019625.
Hereditary cancer-predisposing syndrome. Also called: Tumor predisposition; Hereditary Cancer Syndrome; Hereditary neoplastic syndrome; Neoplastic Syndromes, Hereditary. Identifiers: Orphanet 140162, MedGen C0027672, MeSH D009386, MONDO:0015356.
Juvenile polyposis/hereditary hemorrhagic telangiectasia syndrome (JPHT). Also called: JP/HHT SYNDROME; JUVENILE POLYPOSIS WITH HEREDITARY HEMORRHAGIC TELANGIECTASIA; POLYPOSIS, GENERALIZED JUVENILE, WITH PULMONARY ARTERIOVENOUS MALFORMATION; TELANGIECTASIA, HEREDITARY HEMORRHAGIC, WITH JUVENILE POLYPOSIS COLI; Juvenile Polyposis Syndrome / Hereditary Hemorrhagic Telangiectasia (JPS/HHT). Identifiers: Orphanet 2929, MedGen C1832942, MONDO:0008278, OMIM 175050.

Submissions (4):

Labcorp Genetics (formerly Invitae), Labcorp
Classification: Likely benign for Juvenile polyposis syndrome. Last evaluated: 2025-05-15. Review status: criteria provided, single submitter. Criteria: Invitae Variant Classification Sherloc (09022015). Collection method: clinical testing. Allele origin: germline.

Myriad Genetics, Inc.
Classification: Benign for Juvenile polyposis/hereditary hemorrhagic telangiectasia syndrome. Last evaluated: 2025-03-24. Review status: criteria provided, single submitter. Criteria: Myriad Autosomal Dominant, Autosomal Recessive and X-Linked Classification Criteria (2023). Collection method: clinical testing. Allele origin: unknown.
Comment: This variant is considered benign. This variant is a silent/synonymous amino acid change and it is not expected to impact splicing.

Ambry Genetics
Classification: Likely benign for Hereditary cancer-predisposing syndrome; Familial thoracic aortic aneurysm and aortic dissection. Last evaluated: 2025-01-31. Review status: criteria provided, single submitter. Criteria: Ambry Variant Classification Scheme 2023. Collection method: clinical testing. Allele origin: germline.

Blueprint Genetics
Classification: Likely benign. Last evaluated: 2023-02-03. Review status: criteria provided, single submitter. Criteria: ACMG Guidelines, 2015. Collection method: clinical testing. Allele origin: germline.

NM_005359.6(SMAD4):c.1416A>G (p.Pro472=)

Gene: SMAD4 (SMAD family member 4; plus strand). Cytogenetic location: 18q21.2.
Variant type: single nucleotide variant.
Coding change: c.1416A>G on transcript NM_005359.6 (MANE Select); coding-DNA position 1416, A replaced by G.
Protein change: p.Pro472=; no amino-acid change (proline 472 retained).
Molecular consequence: synonymous variant. On other transcripts: non-coding transcript variant (1).
Genome position (GRCh38, 1-based): chr18:51,076,745, A>G. VCF-style: chr18-51076745-A-G. GRCh37 (hg19) VCF-style: chr18-48603115-A-G.
Other names: c.1416A>G, p.Pro472= (NM_001407041.1, NM_001407042.1).
Identifiers: ClinVar variation 3798812 (VCV003798812.4).